The following is an entry in ClinVar:

NM_033380.3(COL4A5):c.3578G>A (p.Gly1193Glu)

Gene: COL4A5 (collagen type IV alpha 5 chain; plus strand). Cytogenetic location: Xq22.3.
Variant type: single nucleotide variant.
Coding change: c.3578G>A on transcript NM_033380.3 (MANE Select); coding-DNA position 3578, G replaced by A.
Protein change: p.Gly1193Glu; replaces glycine 1193 with glutamic acid.
Molecular consequence: missense variant.
Genome position (GRCh38, 1-based): chrX:108,667,157, G>A. VCF-style: chrX-108667157-G-A. GRCh37 (hg19) VCF-style: chrX-107910387-G-A.
Other names: c.3578G>A, p.Gly1193Glu (NM_000495.5); short protein forms G1193E.
Identifiers: ClinVar variation 4525996 (VCV004525996.1).

ClinVar aggregate classification (germline): Likely pathogenic (1 of 4 stars; one submission).

Conditions:
X-linked Alport syndrome (ATS1). Also called: NEPHROPATHY AND DEAFNESS, X-LINKED; COL4A5-Related Nephropathy. Identifiers: Orphanet 63, Orphanet 88917, MedGen C4746986, MONDO:0010520, OMIM 301050.

Submission:

Women's Health and Genetics/Laboratory Corporation of America, LabCorp
Classification: Likely pathogenic for X-linked Alport syndrome. Last evaluated: 2025-07-10. Review status: criteria provided, single submitter. Criteria: LabCorp Variant Classification Summary - May 2015. Collection method: clinical testing. Allele origin: germline.
Comment: Variant summary: COL4A5 c.3578G>A (p.Gly1193Glu) results in a non-conservative amino acid change located within the triple-helical region (UniProt) of the encoded protein sequence. This missense variant disrupts a critical glycine residue at position 1 of a Gly-X-Y repeat in the collagenous domain of the collagen IV alpha 5 chain, and variants affecting these glycine residues are significantly enriched in individuals with Alport syndrome (PMID: 33854215). Algorithms developed to predict the effect of missense changes on protein structure and function all suggest that this variant is likely to be disruptive. The variant was absent in 183272 control chromosomes. c.3578G>A has been observed in at least one child affected with Alport Syndrome 1, X-Linked Recessive (example: Zhou_2023). To our knowledge, no experimental evidence demonstrating an impact on protein function has been reported. The following publication has been ascertained in the context of this evaluation (PMID: 37097554). No submitters have cited clinical-significance assessments for this variant to ClinVar. Based on the evidence outlined above, the variant was classified as likely pathogenic.

Literature cited by the submitters: PubMed 37097554.